The following is an entry in ClinVar:

ClinVar aggregate classification (germline): Conflicting classifications of pathogenicity. Review status: criteria provided, conflicting classifications (1 of 4 stars). 2 submissions from 2 submitters: Uncertain significance (1); Likely benign (1). Last evaluated 2026-02-20.

Conditions:
CFAP43-related disorder. Also called: CFAP43-related condition.

gnomAD v4.1: 382 of 1,614,238 alleles (0.024%); highest among the groups gnomAD compares: African/African-American, 0.43%; 1 homozygote.

Submissions (2):

PreventionGenetics, part of Exact Sciences
Classification: Likely benign for CFAP43-related condition. Last evaluated: 2026-02-20. Review status: criteria provided, single submitter. Criteria: ACMG Guidelines, 2015. Collection method: clinical testing. Allele origin: germline.
Comment: This variant is classified as likely benign based on ACMG/AMP sequence variant interpretation guidelines (Richards et al. 2015 PMID: 25741868, with internal and published modifications).

Ambry Genetics
Classification: Uncertain significance. Last evaluated: 2025-08-03. Review status: criteria provided, single submitter. Criteria: Ambry Variant Classification Scheme 2023. Collection method: clinical testing. Allele origin: germline.

NM_025145.7(CFAP43):c.3181G>A (p.Val1061Ile)

Gene: CFAP43 (cilia and flagella associated protein 43; minus strand). Cytogenetic location: 10q25.1.
Variant type: single nucleotide variant.
Coding change: c.3181G>A on transcript NM_025145.7 (MANE Select); coding-DNA position 3181, G replaced by A.
Protein change: p.Val1061Ile; replaces valine 1061 with isoleucine.
Molecular consequence: missense variant.
Genome position (GRCh38, 1-based): chr10:104,164,159, C>T on the plus strand (G>A on the coding strand, the complement: CFAP43 is on the minus strand). VCF-style: chr10-104164159-C-T. GRCh37 (hg19) VCF-style: chr10-105923917-C-T.
Other names: c.3181G>A (NM_025145.6); short protein forms V1061I.
Identifiers: ClinVar variation 4226963 (VCV004226963.2).